The following is an entry in ClinVar:

NM_006393.3(NEBL):c.2417C>T (p.Thr806Ile)

Gene: NEBL (nebulette; minus strand). Cytogenetic location: 10p12.31.
Variant type: single nucleotide variant.
Coding change: c.2417C>T on transcript NM_006393.3 (MANE Select); coding-DNA position 2417, C replaced by T.
Protein change: p.Thr806Ile; replaces threonine 806 with isoleucine.
Molecular consequence: missense variant.
Genome position (GRCh38, 1-based): chr10:20,812,870, G>A on the plus strand (C>T on the coding strand, the complement: NEBL is on the minus strand). VCF-style: chr10-20812870-G-A. GRCh37 (hg19) VCF-style: chr10-21101799-G-A.
Other names: c.428C>T, p.Thr143Ile (NM_001173484.2, NM_001377322.1, NM_213569.2); c.380C>T, p.Thr127Ile (NM_001377323.1); c.371C>T, p.Thr124Ile (NM_001377324.1); c.362C>T, p.Thr121Ile (NM_001377325.1); c.320C>T, p.Thr107Ile (NM_001377326.1, NM_001377327.1, NM_001377328.1); short protein forms T143I, T806I, T107I, T121I, T124I, T127I.
Identifiers: ClinVar variation 164741 (VCV000164741.25), dbSNP rs200705273, ClinGen allele CA177425.

ClinVar aggregate classification (germline): Conflicting classifications of pathogenicity. Review status: criteria provided, conflicting classifications (1 of 4 stars). 7 submissions from 7 submitters: Uncertain significance (6); Likely benign (1). Last evaluated 2025-12-08.

Conditions:
Primary dilated cardiomyopathy (DCM). Also called: Dilated Cardiomyopathy. Identifiers: Orphanet 217604, MedGen C0007193, MeSH D002311, MONDO:0005021, HP:0001644. Inheritance: Various modes of inheritance.

Allele frequency attached by ClinVar (database versions not stated): ExAC 0.00008; ESP Exome Variant Server 0.00008; gnomAD exomes 0.00015 and 0.00040; 1000 Genomes Project 30x 0.00016; 1000 Genomes Project 0.00020; gnomAD 0.00020 and 0.00021; TOPMed 0.00021.
gnomAD v4.1: 657 of 1,613,968 alleles (0.041%); highest among the groups gnomAD compares: Non-Finnish European, 0.05%; no homozygotes.

Submissions (7):

Labcorp Genetics (formerly Invitae), Labcorp
Classification: Uncertain significance for Primary dilated cardiomyopathy. Last evaluated: 2025-12-08. Review status: criteria provided, single submitter. Criteria: Invitae Variant Classification Sherloc (09022015). Collection method: clinical testing. Allele origin: germline.
Comment: This sequence change replaces threonine, which is neutral and polar, with isoleucine, which is neutral and non-polar, at codon 806 of the NEBL protein (p.Thr806Ile). This variant is present in population databases (rs200705273, gnomAD 0.03%). This variant has not been reported in the literature in individuals affected with NEBL-related conditions. ClinVar contains an entry for this variant (Variation ID: 164741). An algorithm developed to predict the effect of missense changes on protein structure and function (PolyPhen-2) suggests that this variant is likely to be disruptive. In summary, the available evidence is currently insufficient to determine the role of this variant in disease. Therefore, it has been classified as a Variant of Uncertain Significance.

GeneDx
Classification: Uncertain significance. Last evaluated: 2025-09-05. Review status: criteria provided, single submitter. Criteria: GeneDx Variant Classification Process June 2021. Collection method: clinical testing. Allele origin: germline. Affected: yes.
Comment: Has not been previously published as pathogenic or benign to our knowledge; In silico analysis supports that this missense variant has a deleterious effect on protein structure/function; Variants in candidate genes are classified as variants of uncertain significance in accordance with ACMG guidelines (PMID: 25741868)

Ambry Genetics
Classification: Uncertain significance. Last evaluated: 2025-06-07. Review status: criteria provided, single submitter. Criteria: Ambry Variant Classification Scheme 2023. Collection method: clinical testing. Allele origin: germline.

Women's Health and Genetics/Laboratory Corporation of America, LabCorp
Classification: Likely benign. Last evaluated: 2023-08-19. Review status: criteria provided, single submitter. Criteria: LabCorp Variant Classification Summary - May 2015. Collection method: clinical testing. Allele origin: germline.

Fulgent Genetics
Classification: Uncertain significance. Last evaluated: 2017-05-23. Review status: criteria provided, single submitter. Criteria: ACMG Guidelines, 2015. Collection method: clinical testing. Allele origin: unknown.

Laboratory for Molecular Medicine, Mass General Brigham Personalized Medicine
Classification: Uncertain significance. Last evaluated: 2014-05-09. Review status: criteria provided, single submitter. Criteria: LMM Criteria. Collection method: clinical testing. Allele origin: germline. Observed: 1 variant allele.
Comment: The Thr806Ile variant in NEBL has not been previously reported in individuals wi th cardiomyopathy, but has been identified in 1/8600 of European American chromo somes by the NHLBI Exome Sequencing Project (dbSNP rs200705273). Computational prediction tools and conservation analysis sug gest that this variant may not impact the protein, though this information is no t predictive enough to rule out pathogenicity. In summary, the clinical signific ance of the Thr806Ile variant is uncertain.

Breakthrough Genomics
Classification: Uncertain significance. Review status: criteria provided, single submitter. Criteria: ACMG Guidelines, 2015. Collection method: not provided. Allele origin: germline. Inheritance: Unknown mechanism. Affected: yes.